The following is an entry in ClinVar:

NM_003803.4(MYOM1):c.432-10_432-8del

Gene: MYOM1 (myomesin 1; minus strand). Cytogenetic location: 18p11.31.
Variant type: Microsatellite.
Coding change: c.432-10_432-8del on transcript NM_003803.4 (MANE Select); 10 bases into the intron before coding-DNA position 432 through 8 bases into the intron before coding-DNA position 432, 3 bases deleted (TGT; older notation c.432-10_432-8delTGT).
Molecular consequence: intron variant.
Genome position (GRCh38, 1-based): chr18:3,189,095-3,189,097, ACA deleted on the plus strand (TGT on the coding strand, the reverse complement: MYOM1 is on the minus strand); deleting any 3 consecutive bases within chr18:3,189,095-3,189,101 gives the same sequence; the c. name uses the placement nearest the transcript's 3' end. VCF-style (leftmost placement, unchanged base first): chr18-3189094-CACA-C. GRCh37 (hg19) VCF-style: chr18-3189092-CACA-C.
Other names: c.432-10_432-8delTGT (NM_003803.3); c.432-10_432-8del (NM_019856.2).
Identifiers: ClinVar variation 416036 (VCV000416036.14), dbSNP rs770159154, ClinGen allele CA8875241.

ClinVar aggregate classification (germline): Benign. Review status: criteria provided, single submitter (1 of 4 stars). 2 submissions from 2 submitters: Benign (1). 1 of the submissions does not count toward it. Last evaluated 2025-05-17.

Conditions:
Hypertrophic cardiomyopathy. Also called: HYPERTROPHIC MYOCARDIOPATHY. Identifiers: Orphanet 217569, MedGen C0007194, MeSH D002312, MONDO:0005045, HP:0001639.
MYOM1-related disorder.

Submissions (2):

Labcorp Genetics (formerly Invitae), Labcorp
Classification: Benign for Hypertrophic cardiomyopathy. Last evaluated: 2025-05-17. Review status: criteria provided, single submitter. Criteria: Invitae Variant Classification Sherloc (09022015). Collection method: clinical testing. Allele origin: germline.

PreventionGenetics, part of Exact Sciences
Classification: Likely benign for MYOM1-related condition. Last evaluated: 2019-05-08. Review status: no assertion criteria provided. Collection method: clinical testing. Allele origin: germline. Not counted in ClinVar's aggregate classification.
Comment: This variant is classified as likely benign based on ACMG/AMP sequence variant interpretation guidelines (Richards et al. 2015 PMID: 25741868, with internal and published modifications).